The following is an entry in ClinVar:

ClinVar aggregate classification (germline): Likely pathogenic (1 of 4 stars; one submission).

Conditions:
SMAD6-related disease. Also called: SMAD6-related condition; SMAD6-related disorder. Identifiers: MedGen CN381596, MONDO:0700324.

Submission:

Rady Children's Institute for Genomic Medicine, Rady Children's Hospital San Diego
Classification: Likely pathogenic for SMAD6-related disorders. Last evaluated: 2023-12-21. Review status: criteria provided, single submitter. Criteria: ACMG Guidelines, 2015. Collection method: clinical testing. Allele origin: germline. Affected: yes.
Comment: This frameshifting variant in exon 1 of 4 is predicted to result in loss of normal protein function through either protein truncation or nonsense-mediated mRNA decay. Loss-of-function variation in SMAD6 is an established mechanism of disease (PMID: 30796334, 36414630). This variant has not been previously reported or functionally characterized in the literature to our knowledge. The c.388dup (p.Ser130PhefsTer173) variant is absent from the gnomAD population database and thus is presumed to be rare. Based on the available evidence, c.388dup (p.Ser130PhefsTer173) is classified as Likely Pathogenic.

Literature cited by the submitters: PubMed 30796334; 36414630.

NM_005585.5(SMAD6):c.388dup (p.Ser130fs)

Gene: SMAD6 (SMAD family member 6; plus strand). Cytogenetic location: 15q22.31.
Variant type: Duplication.
Coding change: c.388dup on transcript NM_005585.5 (MANE Select); coding-DNA position 388, one base duplicated (T; older notation c.388dupT).
Protein change: p.Ser130fs; shifts the reading frame from serine 130.
Molecular consequence: frameshift variant. On other transcripts: non-coding transcript variant (1).
Genome position (GRCh38, 1-based): chr15:66,703,646, T duplicated; the last of 4 consecutive T bases (chr15:66,703,643-66,703,646); duplicating any one gives the same sequence. VCF-style (leftmost placement, unchanged base first): chr15-66703642-C-CT. GRCh37 (hg19) VCF-style: chr15-66995980-C-CT.
Other names: short protein forms S130fs.
Identifiers: ClinVar variation 3773858 (VCV003773858.1).